The following is an entry in ClinVar:

ClinVar aggregate classification (germline): Benign. Review status: criteria provided, multiple submitters, no conflicts (2 of 4 stars). 8 submissions from 6 submitters: Benign (8). Last evaluated 2026-02-04.

Conditions:
Schwartz-Jampel syndrome. Also called: Myotonic myopathy dwarfism chondrodystrophy and ocular and facial abnormalities. Identifiers: Orphanet 800, MedGen C0036391, MONDO:0009717.
Lethal Kniest-like syndrome (DDSH). Also called: Dyssegmental Dysplasia. Identifiers: Orphanet 1865, MedGen C1857100, MONDO:0009140, OMIM 224410.

Allele frequency attached by ClinVar (database versions not stated): 1000 Genomes Project 30x 0.75843; 1000 Genomes Project 0.76198; TOPMed 0.76797; gnomAD 0.77496 and 0.77701; ESP Exome Variant Server 0.78387; gnomAD exomes 0.79456 and 0.80943; ExAC 0.81156.
gnomAD v4.1: 1,270,304 of 1,575,484 alleles (81%); highest among the groups gnomAD compares: Middle Eastern, 86%; 513,126 homozygotes.

Submissions (8):

Labcorp Genetics (formerly Invitae), Labcorp
Classification: Benign. Last evaluated: 2026-02-04. Review status: criteria provided, single submitter. Criteria: Invitae Variant Classification Sherloc (09022015). Collection method: clinical testing. Allele origin: germline.

Blueprint Genetics
Classification: Benign. Last evaluated: 2024-11-26. Review status: criteria provided, single submitter. Criteria: ACMG Guidelines, 2015. Collection method: clinical testing. Allele origin: germline.

Genome-Nilou Lab
Classification: Benign for Lethal Kniest-like syndrome. Last evaluated: 2021-08-10. Review status: criteria provided, single submitter. Criteria: ACMG Guidelines, 2015. Collection method: clinical testing. Allele origin: germline. Affected: no.

Genome-Nilou Lab
Classification: Benign for Schwartz-Jampel syndrome type 1. Last evaluated: 2021-08-10. Review status: criteria provided, single submitter. Criteria: ACMG Guidelines, 2015. Collection method: clinical testing. Allele origin: germline. Affected: no.

GeneDx
Classification: Benign. Last evaluated: 2018-08-09. Review status: criteria provided, single submitter. Criteria: GeneDx Variant Classification Process June 2021. Collection method: clinical testing. Allele origin: germline. Affected: yes.

Illumina Laboratory Services, Illumina
Classification: Benign for Schwartz-Jampel syndrome type 1. Last evaluated: 2018-01-12. Review status: criteria provided, single submitter. Criteria: ICSL Variant Classification Criteria 13 December 2019. Collection method: clinical testing. Allele origin: germline.
Comment: This variant was observed in the ICSL laboratory as part of a predisposition screen in an ostensibly healthy population. It had not been previously curated by ICSL or reported in the Human Gene Mutation Database (HGMD: prior to June 1st, 2018), and was therefore a candidate for classification through an automated scoring system. Utilizing variant allele frequency, disease prevalence and penetrance estimates, and inheritance mode, an automated score was calculated to assess if this variant is too frequent to cause the disease. Based on the score and internal cut-off values, a variant classified as benign is not then subjected to further curation. The score for this variant resulted in a classification of benign for this disease.

Illumina Laboratory Services, Illumina
Classification: Benign for Lethal Kniest-like syndrome. Last evaluated: 2018-01-12. Review status: criteria provided, single submitter. Criteria: ICSL Variant Classification Criteria 13 December 2019. Collection method: clinical testing. Allele origin: germline.
Comment: the same text as in the submission from Illumina Laboratory Services, Illumina above.

Breakthrough Genomics
Classification: Benign. Review status: criteria provided, single submitter. Criteria: ACMG Guidelines, 2015. Collection method: not provided. Allele origin: germline. Inheritance: Autosomal recessive inheritance. Affected: yes.

NM_005529.7(HSPG2):c.7738-14T>C

Gene: HSPG2 (heparan sulfate proteoglycan 2; minus strand). Cytogenetic location: 1p36.12.
Variant type: single nucleotide variant.
Coding change: c.7738-14T>C on transcript NM_005529.7 (MANE Select); 14 bases into the intron before coding-DNA position 7738, T replaced by C.
Molecular consequence: intron variant.
Genome position (GRCh38, 1-based): chr1:21,848,107, A>G on the plus strand (T>C on the coding strand, the complement: HSPG2 is on the minus strand). VCF-style: chr1-21848107-A-G. GRCh37 (hg19) VCF-style: chr1-22174600-A-G.
Other names: c.7741-14T>C (NM_001291860.2).
Identifiers: ClinVar variation 295787 (VCV000295787.17), dbSNP rs3767138, ClinGen allele CA671072.
Genomic context (GRCh38, chr1:21,848,107, plus strand): 5'-GAGTCTGCCGGAGTCACCTGAGGGATCCGCAGCCGGGAGCCCACGATCTGCAGGAAGCAG[A>G]TGGCAGGAGGTATGGCAGTAGGTGTGGGCAGCTCCTCCACATCTTGGGCACTGCTGCCGC-3'